The following is an entry in ClinVar:

NM_000059.4(BRCA2):c.9648+18C>G

Gene: BRCA2 (BRCA2 DNA repair associated; plus strand). Cytogenetic location: 13q13.1.
Variant type: single nucleotide variant.
Coding change: c.9648+18C>G on transcript NM_000059.4 (MANE Select); 18 bases into the intron after coding-DNA position 9648, C replaced by G.
Molecular consequence: intron variant.
Genome position (GRCh38, 1-based): chr13:32,397,062, C>G. VCF-style: chr13-32397062-C-G. GRCh37 (hg19) VCF-style: chr13-32971199-C-G.
Identifiers: ClinVar variation 389729 (VCV000389729.10), dbSNP rs752904457, ClinGen allele CA16607502.
Genomic context (GRCh38, chr13:32,397,062, plus strand): 5'-GTACACTGCTCAAATCATTCCTGGTACAGGAAACAAGCTTCTGGTAAGTTAATGTAAACT[C>G]AAGGAATATTATAAGAAGTATATATGGAGGCCATCGTATATTCTGTTGTATACCTAGTAA-3'

ClinVar aggregate classification (germline): Likely benign. Review status: criteria provided, multiple submitters, no conflicts (2 of 4 stars). 2 submissions from 2 submitters: Likely benign (2). Last evaluated 2024-09-29.

Conditions:
Hereditary breast ovarian cancer syndrome. Also called: Hereditary breast and ovarian cancer syndrome; BRCA1- and BRCA2-Associated Hereditary Breast and Ovarian Cancer; Hereditary breast and ovarian cancer; Hereditary breast and/or ovarian cancer syndrome; Hereditary breast and ovarian cancer syndrome (HBOC); Breast and ovarian cancer. Identifiers: Orphanet 145, MedGen C0677776, MeSH D061325, MONDO:0003582. Disease mechanism: loss of function.

Submissions (2):

Labcorp Genetics (formerly Invitae), Labcorp
Classification: Likely benign for Hereditary breast ovarian cancer syndrome. Last evaluated: 2024-09-29. Review status: criteria provided, single submitter. Criteria: Invitae Variant Classification Sherloc (09022015). Collection method: clinical testing. Allele origin: germline.

GeneDx
Classification: Likely benign. Last evaluated: 2017-09-27. Review status: criteria provided, single submitter. Criteria: GeneDx Variant Classification (06012015). Collection method: clinical testing. Allele origin: germline. Affected: yes.
Comment: This variant is considered likely benign or benign based on one or more of the following criteria: it is a conservative change, it occurs at a poorly conserved position in the protein, it is predicted to be benign by multiple in silico algorithms, and/or has population frequency not consistent with disease.